The following is an entry in ClinVar:

NM_144687.4(NLRP12):c.2661_2664del (p.Arg887fs)

Gene: NLRP12 (NLR family pyrin domain containing 12; minus strand). Cytogenetic location: 19q13.42.
Variant type: Microsatellite.
Coding change: c.2661_2664del on transcript NM_144687.4 (MANE Select); coding-DNA positions 2661 to 2664, 4 bases deleted (AGAG; older notation c.2661_2664delAGAG).
Protein change: p.Arg887fs; shifts the reading frame from arginine 887.
Molecular consequence: frameshift variant.
Genome position (GRCh38, 1-based): chr19:53,801,319-53,801,322, CTCT deleted on the plus strand (AGAG on the coding strand, the reverse complement: NLRP12 is on the minus strand); deleting any 4 consecutive bases within chr19:53,801,319-53,801,325 gives the same sequence; the c. name uses the placement nearest the transcript's 3' end. VCF-style (leftmost placement, unchanged base first): chr19-53801318-GCTCT-G. GRCh37 (hg19) VCF-style: chr19-54304572-GCTCT-G.
Other names: c.2664_2667del, p.Arg888fs (NM_001277126.2); c.2661_2664del, p.Arg887fs (NM_001277129.1); c.2661_2664delAGAG (NM_144687.3); short protein forms R888fs, R887fs.
Identifiers: ClinVar variation 1520033 (VCV001520033.8), dbSNP rs2091866608, ClinGen allele CA2342531578.

ClinVar aggregate classification (germline): Conflicting classifications of pathogenicity. Review status: criteria provided, conflicting classifications (1 of 4 stars). 3 submissions from 3 submitters: Likely pathogenic (2); Uncertain significance (1). Last evaluated 2025-11-05.

Conditions:
Familial cold autoinflammatory syndrome 2 (FCAS2). Identifiers: Orphanet 247868, MedGen C2673198, MONDO:0012724, OMIM 611762.
NLRP12-related disorder. Also called: NLRP12-related conditions; NLRP12-related condition.

Submissions (3):

PreventionGenetics, part of Exact Sciences
Classification: Likely pathogenic for NLRP12-related condition. Last evaluated: 2025-11-05. Review status: criteria provided, single submitter. Criteria: ACMG Guidelines, 2015. Collection method: clinical testing. Allele origin: germline.
Comment: The NLRP12 c.2661_2664delAGAG variant is predicted to result in a frameshift and premature protein termination (p.Arg887Serfs*4). To our knowledge, this variant has not been reported in the literature or in a large population database (gnomAD), indicating this variant is rare. Frameshift variants in NLRP12 are expected to be pathogenic. This variant is interpreted as likely pathogenic.

Department of Pathology and Laboratory Medicine, Sinai Health System
Classification: Likely pathogenic for Familial cold autoinflammatory syndrome 2. Last evaluated: 2023-02-14. Review status: criteria provided, single submitter. Criteria: ACMG Guidelines, 2015. Collection method: research. Allele origin: germline.

Labcorp Genetics (formerly Invitae), Labcorp
Classification: Uncertain significance for Familial cold autoinflammatory syndrome 2. Last evaluated: 2021-11-27. Review status: criteria provided, single submitter. Criteria: Invitae Variant Classification Sherloc (09022015). Collection method: clinical testing. Allele origin: germline.
Comment: This sequence change creates a premature translational stop signal (p.Arg887Serfs*4) in the NLRP12 gene. It is expected to result in an absent or disrupted protein product. However, the current clinical and genetic evidence is not sufficient to establish whether loss-of-function variants in NLRP12 cause disease. This variant is not present in population databases (gnomAD no frequency). This variant has not been reported in the literature in individuals affected with NLRP12-related conditions. In summary, the available evidence is currently insufficient to determine the role of this variant in disease. Therefore, it has been classified as a Variant of Uncertain Significance.